The following is an entry in ClinVar:

NM_012233.3(RAB3GAP1):c.*2TCT[1]

Gene: RAB3GAP1 (RAB3 GTPase activating protein catalytic subunit 1; plus strand). Cytogenetic location: 2q21.3.
Variant type: Microsatellite.
Coding change: c.*2TCT[1] on transcript NM_012233.3 (MANE Select); one copy of the 3-base unit TCT starting at c.*2; the reference has two copies in a row; one copy, 3 bases deleted.
Molecular consequence: 3 prime UTR variant.
Genome position (GRCh38, 1-based): chr2:135,168,786-135,168,788, TCT deleted; deleting any 3 consecutive bases within chr2:135,168,782-135,168,788 gives the same sequence; the position shown is the placement nearest the transcript's 3' end. VCF-style (leftmost placement, unchanged base first): chr2-135168781-ATTC-A. GRCh37 (hg19) VCF-style: chr2-135926351-ATTC-A.
Other names: c.*2TCT[1] (NM_001172435.2).
Identifiers: ClinVar variation 3032597 (VCV003032597.2), dbSNP rs769085884, ClinGen allele CA1885225.

ClinVar aggregate classification (germline): Likely benign (0 of 4 stars; one submission).

Conditions:
RAB3GAP1-related disorder. Also called: RAB3GAP1-related condition; RAB3GAP1-related disorders.

Submission:

PreventionGenetics, part of Exact Sciences
Classification: Likely benign for RAB3GAP1-related condition. Last evaluated: 2021-09-17. Review status: no assertion criteria provided. Collection method: clinical testing. Allele origin: germline.
Comment: This variant is classified as likely benign based on ACMG/AMP sequence variant interpretation guidelines (Richards et al. 2015 PMID: 25741868, with internal and published modifications).